The following is an entry in ClinVar:

NM_001253852.3(AP4B1):c.59C>T (p.Pro20Leu)

Genes: AP4B1 (adaptor related protein complex 4 subunit beta 1; minus strand), DCLRE1B (DNA cross-link repair 1B; plus strand), LOC129931235 (ATAC-STARR-seq lymphoblastoid active region 1540; plus strand). Cytogenetic location: 1p13.2.
Variant type: single nucleotide variant.
Coding change: c.59C>T on transcript NM_001253852.3 (MANE Select); coding-DNA position 59, C replaced by T.
Protein change: p.Pro20Leu; replaces proline 20 with leucine.
Molecular consequence: missense variant. On other transcripts: 5 prime UTR variant (2).
Genome position (GRCh38, 1-based): chr1:113,904,659, G>A on the plus strand (C>T on the coding strand, the complement: AP4B1 is on the minus strand). VCF-style: chr1-113904659-G-A. GRCh37 (hg19) VCF-style: chr1-114447281-G-A.
Other names: c.-111C>T (NM_001253853.3); c.59C>T, p.Pro20Leu (NM_001308312.2, NM_001437822.1, NM_001438373.1 and 7 more transcripts); c.-380G>A (NM_001319947.2); short protein forms P20L.
Identifiers: ClinVar variation 1750961 (VCV001750961.2), dbSNP rs1450489337, ClinGen allele CA341693984.
Genomic context (GRCh38, chr1:113,904,659, plus strand): 5'-TGATACCTAATCACTCGCTGGATGACATTCCGGTAGCGCAGCCTATCAGCTTGAATGTGA[G>A]GATTGCACAGAGCCTTCTTCAGCTCCTTCACCACGTCCTCGGAGCCAAGGTACGGCATCT-3'
Protein context (NP_001240781.1, residues 10-30): VKELKKALCN[Pro20Leu]HIQADRLRYR

ClinVar aggregate classification (germline): Uncertain significance (1 of 4 stars; one submission).

Conditions:
Inborn genetic diseases. Identifiers: MedGen C0950123, MeSH D030342.

Allele frequency attached by ClinVar (database versions not stated): TOPMed below 0.00001; gnomAD 0.00001; gnomAD exomes below 0.00001.
gnomAD v4.1: 4 of 1,613,274 alleles (0.00025%); highest among the groups gnomAD compares: African/African-American, 0.004%; no homozygotes.

Submission:

Ambry Genetics
Classification: Uncertain significance for Inborn genetic diseases. Last evaluated: 2018-11-12. Review status: criteria provided, single submitter. Criteria: Ambry Variant Classification Scheme 2023. Collection method: clinical testing. Allele origin: germline.
Comment: The p.P20L variant (also known as c.59C>T), located in coding exon 1 of the AP4B1 gene, results from a C to T substitution at nucleotide position 59. The proline at codon 20 is replaced by leucine, an amino acid with similar properties. This amino acid position is highly conserved in available vertebrate species. In addition, the in silico prediction for this alteration is inconclusive. Since supporting evidence is limited at this time, the clinical significance of this alteration remains unclear.